The following is an entry in ClinVar:

ClinVar aggregate classification (germline): Uncertain significance. Review status: criteria provided, multiple submitters, no conflicts (2 of 4 stars). 2 submissions from 2 submitters: Uncertain significance (2). Last evaluated 2025-07-09.

Submissions (2):

GeneDx
Classification: Uncertain significance. Last evaluated: 2025-07-09. Review status: criteria provided, single submitter. Criteria: GeneDx Variant Classification Process June 2021. Collection method: clinical testing. Allele origin: germline.
Comment: Not observed at significant frequency in large population cohorts (gnomAD); In silico analysis supports that this missense variant has a deleterious effect on protein structure/function; Has not been previously published as pathogenic or benign to our knowledge

Women's Health and Genetics/Laboratory Corporation of America, LabCorp
Classification: Uncertain significance. Last evaluated: 2024-02-08. Review status: criteria provided, single submitter. Criteria: LabCorp Variant Classification Summary - May 2015. Collection method: clinical testing. Allele origin: germline.
Comment: Variant summary: ACAN c.7192A>C (p.Thr2398Pro) results in a non-conservative amino acid change in the encoded protein sequence. Four of five in-silico tools predict a damaging effect of the variant on protein function. The variant was absent in 247260 control chromosomes (gnomAD). The available data on variant occurrences in the general population are insufficient to allow any conclusion about variant significance. To our knowledge, no occurrence of c.7192A>C in individuals affected with ACAN-Related Disorders and no experimental evidence demonstrating its impact on protein function have been reported. No submitters have cited clinical-significance assessments for this variant to ClinVar. Based on the evidence outlined above, the variant was classified as uncertain significance.

NM_001369268.1(ACAN):c.7192A>C (p.Thr2398Pro)

Gene: ACAN (aggrecan; plus strand). Cytogenetic location: 15q26.1.
Variant type: single nucleotide variant.
Coding change: c.7192A>C on transcript NM_001369268.1 (MANE Select); coding-DNA position 7192, A replaced by C.
Protein change: p.Thr2398Pro; replaces threonine 2398 with proline.
Molecular consequence: missense variant.
Genome position (GRCh38, 1-based): chr15:88,871,513, A>C. VCF-style: chr15-88871513-A-C. GRCh37 (hg19) VCF-style: chr15-89414744-A-C.
Other names: c.7078A>C (NM_013227.3); c.6964A>C, p.Thr2322Pro (NM_001135.4, NM_001411096.1); c.7078A>C, p.Thr2360Pro (NM_001411097.1, NM_013227.4); short protein forms T2322P, T2360P, T2398P.
Identifiers: ClinVar variation 3068959 (VCV003068959.4), dbSNP rs1026663279, ClinGen allele CA393729782.